The following is an entry in ClinVar:

ClinVar aggregate classification (germline): Uncertain significance. Review status: criteria provided, multiple submitters, no conflicts (2 of 4 stars). 3 submissions from 3 submitters: Uncertain significance (3). Last evaluated 2024-11-13.

Conditions:
Inborn genetic diseases. Identifiers: MedGen C0950123, MeSH D030342.
Fibrous dysplasia of jaw (CRBM). Also called: Cherubism. Identifiers: Orphanet 184, MedGen C0008029, MONDO:0007315, OMIM 118400.

Allele frequency attached by ClinVar (database versions not stated): gnomAD 0.00001; gnomAD exomes 0.00002; TOPMed 0.00002; ExAC 0.00007.

Submissions (3):

Ambry Genetics
Classification: Uncertain significance for Inborn genetic diseases. Last evaluated: 2024-11-13. Review status: criteria provided, single submitter. Criteria: Ambry Variant Classification Scheme 2023. Collection method: clinical testing. Allele origin: germline.

Labcorp Genetics (formerly Invitae), Labcorp
Classification: Uncertain significance for Fibrous dysplasia of jaw. Last evaluated: 2024-10-16. Review status: criteria provided, single submitter. Criteria: Invitae Variant Classification Sherloc (09022015). Collection method: clinical testing. Allele origin: germline.
Comment: This sequence change replaces glutamic acid, which is acidic and polar, with lysine, which is basic and polar, at codon 134 of the SH3BP2 protein (p.Glu134Lys). The frequency data for this variant in the population databases is considered unreliable, as metrics indicate poor data quality at this position in the gnomAD database. This variant has not been reported in the literature in individuals affected with SH3BP2-related conditions. ClinVar contains an entry for this variant (Variation ID: 1483574). Invitae Evidence Modeling of protein sequence and biophysical properties (such as structural, functional, and spatial information, amino acid conservation, physicochemical variation, residue mobility, and thermodynamic stability) indicates that this missense variant is not expected to disrupt SH3BP2 protein function with a negative predictive value of 80%. In summary, the available evidence is currently insufficient to determine the role of this variant in disease. Therefore, it has been classified as a Variant of Uncertain Significance.

Fulgent Genetics
Classification: Uncertain significance for Fibrous dysplasia of jaw. Last evaluated: 2024-05-06. Review status: criteria provided, single submitter. Criteria: ACMG Guidelines, 2015. Collection method: clinical testing. Allele origin: germline.

NM_001122681.2(SH3BP2):c.400G>A (p.Glu134Lys)

Gene: SH3BP2 (SH3 domain binding protein 2; plus strand). Cytogenetic location: 4p16.3.
Variant type: single nucleotide variant.
Coding change: c.400G>A on transcript NM_001122681.2 (MANE Select); coding-DNA position 400, G replaced by A.
Protein change: p.Glu134Lys; replaces glutamic acid 134 with lysine.
Molecular consequence: missense variant.
Genome position (GRCh38, 1-based): chr4:2,825,168, G>A. VCF-style: chr4-2825168-G-A. GRCh37 (hg19) VCF-style: chr4-2826895-G-A.
Other names: c.484G>A, p.Glu162Lys (NM_001145855.2); c.571G>A, p.Glu191Lys (NM_001145856.2); c.400G>A, p.Glu134Lys (NM_003023.4); short protein forms E191K, E134K, E162K.
Identifiers: ClinVar variation 1483574 (VCV001483574.8), dbSNP rs769545519, ClinGen allele CA2819064.